The following is an entry in ClinVar:

NM_002471.4(MYH6):c.2884A>G (p.Thr962Ala)

Gene: MYH6 (myosin heavy chain 6; minus strand). Cytogenetic location: 14q11.2.
Variant type: single nucleotide variant.
Coding change: c.2884A>G on transcript NM_002471.4 (MANE Select); coding-DNA position 2884, A replaced by G.
Protein change: p.Thr962Ala; replaces threonine 962 with alanine.
Molecular consequence: missense variant.
Genome position (GRCh38, 1-based): chr14:23,393,710, T>C on the plus strand (A>G on the coding strand, the complement: MYH6 is on the minus strand). VCF-style: chr14-23393710-T-C. GRCh37 (hg19) VCF-style: chr14-23862919-T-C.
Other names: short protein forms T962A.
Identifiers: ClinVar variation 1797208 (VCV001797208.3), dbSNP rs2502170103, ClinGen allele CA389011957.
Genomic context (GRCh38, chr14:23,393,710, plus strand): 5'-AGGGAGCTGCCCTCACCTTGTTCTCTGTTGCATGCTTCTCCTTCTCCACCTTGGCCAGTG[T>C]CAGCTCCAGGTCATCAATGTCCTTCTTGAGCTCTGAGCACTCGTCTTCCAGCTTGCGCTT-3'
Protein context (NP_002462.2, residues 952-972): LKKDIDDLEL[Thr962Ala]LAKVEKEKHA

ClinVar aggregate classification (germline): Uncertain significance. Review status: criteria provided, multiple submitters, no conflicts (2 of 4 stars). 2 submissions from 2 submitters: Uncertain significance (2). Last evaluated 2022-07-29.

Conditions:
Cardiovascular phenotype. Identifiers: MedGen CN230736.

Allele frequency attached by ClinVar (database versions not stated): gnomAD exomes below 0.00001.
gnomAD v4.1: 1 of 1,614,212 alleles (0.000062%); highest among the groups gnomAD compares: Non-Finnish European, 0.000085%; no homozygotes.

Submissions (2):

Ambry Genetics
Classification: Uncertain significance for Cardiovascular phenotype. Last evaluated: 2022-07-29. Review status: criteria provided, single submitter. Criteria: Ambry Variant Classification Scheme 2023. Collection method: clinical testing. Allele origin: germline.
Comment: The p.T962A variant (also known as c.2884A>G), located in coding exon 20 of the MYH6 gene, results from an A to G substitution at nucleotide position 2884. The threonine at codon 962 is replaced by alanine, an amino acid with similar properties. This amino acid position is conserved. In addition, the in silico prediction for this alteration is inconclusive. Since supporting evidence is limited at this time, the clinical significance of this alteration remains unclear.

Blueprint Genetics
Classification: Uncertain significance. Last evaluated: 2019-05-07. Review status: criteria provided, single submitter. Criteria: ACMG Guidelines, 2015. Collection method: clinical testing. Allele origin: germline.